The following is an entry in ClinVar:

NM_024537.4(CARS2):c.977T>C (p.Ile326Thr)

Gene: CARS2 (cysteinyl-tRNA synthetase 2, mitochondrial; minus strand). Cytogenetic location: 13q34.
Variant type: single nucleotide variant.
Coding change: c.977T>C on transcript NM_024537.4 (MANE Select); coding-DNA position 977, T replaced by C.
Protein change: p.Ile326Thr; replaces isoleucine 326 with threonine.
Molecular consequence: missense variant. On other transcripts: 3 prime UTR variant (1), non-coding transcript variant (2).
Genome position (GRCh38, 1-based): chr13:110,663,461, A>G on the plus strand (T>C on the coding strand, the complement: CARS2 is on the minus strand). VCF-style: chr13-110663461-A-G. GRCh37 (hg19) VCF-style: chr13-111315808-A-G.
Other names: c.191T>C, p.Ile64Thr (NM_001352252.2); c.*449T>C (NM_001352253.3); short protein forms I326T, I64T.
Identifiers: ClinVar variation 2144730 (VCV002144730.4), dbSNP rs1266601263, ClinGen allele CA388748065.

ClinVar aggregate classification (germline): Uncertain significance (1 of 4 stars; one submission).

Conditions:
Combined oxidative phosphorylation defect type 27. Also called: Combined oxidative phosphorylation deficiency 27. Identifiers: Orphanet 477774, MedGen C5567608, MONDO:0014728, OMIM 616672.

Allele frequency attached by ClinVar (database versions not stated): gnomAD exomes below 0.00001.
gnomAD v4.1: 1 of 1,613,578 alleles (0.000062%); highest among the groups gnomAD compares: Non-Finnish European, 0.000085%; no homozygotes.

Submission:

Labcorp Genetics (formerly Invitae), Labcorp
Classification: Uncertain significance for Combined oxidative phosphorylation defect type 27. Last evaluated: 2024-02-05. Review status: criteria provided, single submitter. Criteria: Invitae Variant Classification Sherloc (09022015). Collection method: clinical testing. Allele origin: germline.
Comment: This sequence change replaces isoleucine, which is neutral and non-polar, with threonine, which is neutral and polar, at codon 326 of the CARS2 protein (p.Ile326Thr). This variant is not present in population databases (gnomAD no frequency). This variant has not been reported in the literature in individuals affected with CARS2-related conditions. ClinVar contains an entry for this variant (Variation ID: 2144730). Advanced modeling of protein sequence and biophysical properties (such as structural, functional, and spatial information, amino acid conservation, physicochemical variation, residue mobility, and thermodynamic stability) performed at Invitae indicates that this missense variant is not expected to disrupt CARS2 protein function with a negative predictive value of 80%. In summary, the available evidence is currently insufficient to determine the role of this variant in disease. Therefore, it has been classified as a Variant of Uncertain Significance.